The following is an entry in ClinVar:

ClinVar aggregate classification (germline): Uncertain significance (1 of 4 stars; one submission).

Conditions:
Alstrom syndrome (ALMS). Identifiers: Orphanet 64, MedGen C0268425, MONDO:0008763, OMIM 203800.

Submission:

Labcorp Genetics (formerly Invitae), Labcorp
Classification: Uncertain significance for Alstrom syndrome. Last evaluated: 2025-12-22. Review status: criteria provided, single submitter. Criteria: Invitae Variant Classification Sherloc (09022015). Collection method: clinical testing. Allele origin: germline.
Comment: This sequence change replaces alanine, which is neutral and non-polar, with threonine, which is neutral and polar, at codon 3223 of the ALMS1 protein (p.Ala3223Thr). This variant is not present in population databases (gnomAD no frequency). This variant has not been reported in the literature in individuals affected with ALMS1-related conditions. An algorithm developed to predict the effect of missense changes on protein structure and function outputs the following: PolyPhen-2: "Not Available". The threonine amino acid residue is found in multiple mammalian species, which suggests that this missense change does not adversely affect protein function. In summary, the available evidence is currently insufficient to determine the role of this variant in disease. Therefore, it has been classified as a Variant of Uncertain Significance.

NM_001378454.1(ALMS1):c.9664G>A (p.Ala3222Thr)

Gene: ALMS1 (ALMS1 centrosome and basal body associated protein; plus strand). Cytogenetic location: 2p13.1.
Variant type: single nucleotide variant.
Coding change: c.9664G>A on transcript NM_001378454.1 (MANE Select); coding-DNA position 9664, G replaced by A.
Protein change: p.Ala3222Thr; replaces alanine 3222 with threonine.
Molecular consequence: missense variant.
Genome position (GRCh38, 1-based): chr2:73,519,899, G>A. VCF-style: chr2-73519899-G-A. GRCh37 (hg19) VCF-style: chr2-73747026-G-A.
Other names: c.9667G>A, p.Ala3223Thr (NM_015120.4); short protein forms A3223T, A3222T.
Identifiers: ClinVar variation 4710129 (VCV004710129.1).